The following is an entry in ClinVar:

ClinVar aggregate classification (germline): Uncertain significance (1 of 4 stars; one submission).

Conditions:
Wilson disease (WND). Also called: Wilson's disease. Identifiers: Orphanet 905, MedGen C0019202, MONDO:0010200, OMIM 277900. Disease mechanism: loss of function.

Allele frequency attached by ClinVar (database versions not stated): gnomAD exomes below 0.00001.

Submission:

All of Us Research Program, National Institutes of Health
Classification: Uncertain significance for Wilson disease. Last evaluated: 2023-12-18. Review status: criteria provided, single submitter. Criteria: ACMG Guidelines, 2015. Collection method: clinical testing. Allele origin: germline. Inheritance: Autosomal recessive inheritance. Observed: 1 variant allele, 1 heterozygote.
Comment: This missense variant replaces glycine with alanine at codon 253 of the ATP7B protein. Computational prediction suggests that this variant may not impact protein structure and function (internally defined REVEL score threshold <= 0.5, PMID: 27666373). To our knowledge, functional studies have not been reported for this variant. This variant has not been reported in individuals affected with ATP7B-related disorders in the literature. This variant has not been identified in the general population by the Genome Aggregation Database (gnomAD). The available evidence is insufficient to determine the role of this variant in disease conclusively. Therefore, this variant is classified as a Variant of Uncertain Significance.

This study involves interpretation of variants in research participants for the purpose of population health screening. Participant phenotype was not available at the time of variant classification. Additional details can be found in publication PMID: 35346344, PMCID: PMC8962531

NM_000053.4(ATP7B):c.758G>C (p.Gly253Ala)

Gene: ATP7B (ATPase copper transporting beta; minus strand). Cytogenetic location: 13q14.3.
Variant type: single nucleotide variant.
Coding change: c.758G>C on transcript NM_000053.4 (MANE Select); coding-DNA position 758, G replaced by C.
Protein change: p.Gly253Ala; replaces glycine 253 with alanine.
Molecular consequence: missense variant.
Genome position (GRCh38, 1-based): chr13:51,974,462, C>G on the plus strand (G>C on the coding strand, the complement: ATP7B is on the minus strand). VCF-style: chr13-51974462-C-G. GRCh37 (hg19) VCF-style: chr13-52548598-C-G.
Other names: c.758G>C, p.Gly253Ala (NM_001330578.2, NM_001330579.2, NM_001243182.2 and 30 more transcripts); c.662G>C, p.Gly221Ala (NM_001406518.1, NM_001406539.1, NM_001406543.1 and 4 more transcripts); short protein forms G221A, G253A.
Identifiers: ClinVar variation 3075066 (VCV003075066.1), dbSNP rs2547818958, ClinGen allele CA388041584.